The following is an entry in ClinVar:

NM_004999.4(MYO6):c.2544dup (p.Arg849fs)

Gene: MYO6 (myosin VI; plus strand). Cytogenetic location: 6q14.1.
Variant type: Duplication.
Coding change: c.2544dup on transcript NM_004999.4 (MANE Select); coding-DNA position 2544, one base duplicated (A; older notation c.2544dupA).
Protein change: p.Arg849fs; shifts the reading frame from arginine 849.
Molecular consequence: frameshift variant. On other transcripts: non-coding transcript variant (1).
Genome position (GRCh38, 1-based): chr6:75,886,880, A duplicated; the last of 6 consecutive A bases (chr6:75,886,875-75,886,880); duplicating any one gives the same sequence. VCF-style (leftmost placement, unchanged base first): chr6-75886874-G-GA. GRCh37 (hg19) VCF-style: chr6-76596591-G-GA.
Other names: c.2544dup, p.Arg849fs (NM_001368865.1, NM_001368866.1, NM_001300899.2 and 2 more transcripts); c.2529dup, p.Arg844fs (NM_001368138.1); short protein forms R844fs, R849fs.
Identifiers: ClinVar variation 2734914 (VCV002734914.3), dbSNP rs1562286077, ClinGen allele CA917784229.

ClinVar aggregate classification (germline): Pathogenic (1 of 4 stars; one submission).

Submission:

Labcorp Genetics (formerly Invitae), Labcorp
Classification: Pathogenic. Last evaluated: 2024-10-22. Review status: criteria provided, single submitter. Criteria: Invitae Variant Classification Sherloc (09022015). Collection method: clinical testing. Allele origin: germline.
Comment: This sequence change creates a premature translational stop signal (p.Arg849Thrfs*3) in the MYO6 gene. It is expected to result in an absent or disrupted protein product. Loss-of-function variants in MYO6 are known to be pathogenic (PMID: 12687499, 18348273, 23767834, 25999546, 30582396). This variant is not present in population databases (gnomAD no frequency). This variant has not been reported in the literature in individuals affected with MYO6-related conditions. For these reasons, this variant has been classified as Pathogenic.

Literature cited by the submitters: PubMed 12687499; PubMed 18348273; PubMed 23767834; PubMed 25999546; PubMed 30582396.